The following is an entry in ClinVar:

ClinVar aggregate classification (germline): Uncertain significance (1 of 4 stars; one submission).

Conditions:
Familial melanoma. Also called: Hereditary melanoma; Hereditary cutaneous melanoma. Identifiers: Orphanet 618, MedGen C1512419, MONDO:0018961.

Submission:

Labcorp Genetics (formerly Invitae), Labcorp
Classification: Uncertain significance for Familial melanoma. Last evaluated: 2021-02-02. Review status: criteria provided, single submitter. Criteria: Invitae Variant Classification Sherloc (09022015). Collection method: clinical testing. Allele origin: germline.
Comment: In summary, the available evidence is currently insufficient to determine the role of this variant in disease. Therefore, it has been classified as a Variant of Uncertain Significance. Experimental studies and prediction algorithms are not available or were not evaluated, and the functional significance of this variant is currently unknown. This variant has not been reported in the literature in individuals with CDKN2A (p16INK4a)-related conditions. This variant is not present in population databases (ExAC no frequency). This variant, c.133_135del, results in the deletion of 1 amino acid(s) of the CDKN2A (p16INK4a) protein (p.Gly45del), but otherwise preserves the integrity of the reading frame.

NM_000077.5(CDKN2A):c.133_135del (p.Gly45del)

Gene: CDKN2A (cyclin dependent kinase inhibitor 2A; minus strand). Cytogenetic location: 9p21.3.
Variant type: Deletion.
Coding change: c.133_135del on transcript NM_000077.5; coding-DNA positions 133 to 135, 3 bases deleted (GGT; older notation c.133_135delGGT).
Protein change: p.Gly45del; deletes glycine 45.
Molecular consequence: inframe indel (on NM_000077.6). On other transcripts: inframe deletion (2), intron variant (2).
Genome position (GRCh38, 1-based): chr9:21,974,693-21,974,695, ACC deleted on the plus strand (GGT on the coding strand, the reverse complement: CDKN2A is on the minus strand). VCF-style (leftmost placement, unchanged base first): chr9-21974692-GACC-G. GRCh37 (hg19) VCF-style: chr9-21974691-GACC-G.
Other names: c.133_135delGGT, p.Gly45del (NM_000077.6); c.133_135del, p.Gly45del (NM_001195132.2, NM_058197.5); c.-3-3487_-3-3485del (NM_001363763.2); c.194-3487_194-3485del (NM_058195.4); short protein forms G45del.
Identifiers: ClinVar variation 1368869 (VCV001368869.8), dbSNP rs2131112114, ClinGen allele CA2573143671.
Genomic context (GRCh38, chr9:21,974,692, plus strand): 5'-AGAGTCGCCCGCCATCCCCTGCTCCCGCTGCAGACCCTCTACCCACCTGGATCGGCCTCC[GACC>G]GTAACTATTCGGTGCGTTGGGCAGCGCCCCCGCCTCCAGCAGCGCCCGCACCTCCTCTAC-3'